The following is an entry in ClinVar:

ClinVar aggregate classification (germline): Uncertain significance (1 of 4 stars; one submission).

Allele frequency attached by ClinVar (database versions not stated): gnomAD exomes below 0.00001; gnomAD 0.00001; TOPMed 0.00001.

Submission:

Labcorp Genetics (formerly Invitae), Labcorp
Classification: Uncertain significance. Last evaluated: 2021-01-12. Review status: criteria provided, single submitter. Criteria: Invitae Variant Classification Sherloc (09022015). Collection method: clinical testing. Allele origin: germline.
Comment: This sequence change replaces glycine with arginine at codon 1081 of the INPPL1 protein (p.Gly1081Arg). The glycine residue is weakly conserved and there is a moderate physicochemical difference between glycine and arginine. This variant is not present in population databases (ExAC no frequency). This variant has not been reported in the literature in individuals with INPPL1-related conditions. Algorithms developed to predict the effect of missense changes on protein structure and function (SIFT, PolyPhen-2, Align-GVGD) all suggest that this variant is likely to be tolerated, but these predictions have not been confirmed by published functional studies and their clinical significance is uncertain. In summary, the available evidence is currently insufficient to determine the role of this variant in disease. Therefore, it has been classified as a Variant of Uncertain Significance.

NM_001567.4(INPPL1):c.3241G>C (p.Gly1081Arg)

Gene: INPPL1 (inositol polyphosphate phosphatase like 1; plus strand). Cytogenetic location: 11q13.4.
Variant type: single nucleotide variant.
Coding change: c.3241G>C on transcript NM_001567.4 (MANE Select); coding-DNA position 3241, G replaced by C.
Protein change: p.Gly1081Arg; replaces glycine 1081 with arginine.
Molecular consequence: missense variant.
Genome position (GRCh38, 1-based): chr11:72,237,485, G>C. VCF-style: chr11-72237485-G-C. GRCh37 (hg19) VCF-style: chr11-71948529-G-C.
Other names: short protein forms G1081R.
Identifiers: ClinVar variation 1501911 (VCV001501911.7), dbSNP rs1166756598, ClinGen allele CA381738370.